The following is an entry in ClinVar:

ClinVar aggregate classification (germline): Uncertain significance. Review status: criteria provided, multiple submitters, no conflicts (2 of 4 stars). 2 submissions from 2 submitters: Uncertain significance (2). Last evaluated 2022-12-06.

Conditions:
DK1-congenital disorder of glycosylation. Also called: DK1-CDG; DOLK-congenital disorder of glycosylation; Carbohydrate deficient glycoprotein syndrome type 1m; CONGENITAL DISORDER OF GLYCOSYLATION, TYPE Im; DOLICHOL KINASE DEFICIENCY; CDG Im. Identifiers: Orphanet 91131, MedGen C1835849, MONDO:0012556, OMIM 610768.
Cardiovascular phenotype. Identifiers: MedGen CN230736.

Allele frequency attached by ClinVar (database versions not stated): gnomAD exomes below 0.00001; TOPMed 0.00001; gnomAD 0.00002.
gnomAD v4.1: 4 of 1,613,880 alleles (0.00025%); highest among the groups gnomAD compares: African/African-American, 0.004%; no homozygotes.

Submissions (2):

Ambry Genetics
Classification: Uncertain significance for Cardiovascular phenotype. Last evaluated: 2022-12-06. Review status: criteria provided, single submitter. Criteria: Ambry Variant Classification Scheme 2023. Collection method: clinical testing. Allele origin: germline.
Comment: The p.G67E variant (also known as c.200G>A), located in coding exon 1 of the DOLK gene, results from a G to A substitution at nucleotide position 200. The glycine at codon 67 is replaced by glutamic acid, an amino acid with similar properties. This amino acid position is conserved. In addition, this alteration is predicted to be deleterious by in silico analysis. Since supporting evidence is limited at this time, the clinical significance of this alteration remains unclear.

Labcorp Genetics (formerly Invitae), Labcorp
Classification: Uncertain significance for DK1-congenital disorder of glycosylation. Last evaluated: 2022-07-15. Review status: criteria provided, single submitter. Criteria: Invitae Variant Classification Sherloc (09022015). Collection method: clinical testing. Allele origin: germline.
Comment: This variant has not been reported in the literature in individuals affected with DOLK-related conditions. Algorithms developed to predict the effect of missense changes on protein structure and function are either unavailable or do not agree on the potential impact of this missense change (SIFT: "Deleterious"; PolyPhen-2: "Probably Damaging"; Align-GVGD: "Class C0"). In summary, the available evidence is currently insufficient to determine the role of this variant in disease. Therefore, it has been classified as a Variant of Uncertain Significance. This variant is not present in population databases (gnomAD no frequency). This sequence change replaces glycine, which is neutral and non-polar, with glutamic acid, which is acidic and polar, at codon 67 of the DOLK protein (p.Gly67Glu).

NM_014908.4(DOLK):c.200G>A (p.Gly67Glu)

Gene: DOLK (dolichol kinase; minus strand). Cytogenetic location: 9q34.11.
Variant type: single nucleotide variant.
Coding change: c.200G>A on transcript NM_014908.4 (MANE Select); coding-DNA position 200, G replaced by A.
Protein change: p.Gly67Glu; replaces glycine 67 with glutamic acid.
Molecular consequence: missense variant.
Genome position (GRCh38, 1-based): chr9:128,947,104, C>T on the plus strand (G>A on the coding strand, the complement: DOLK is on the minus strand). VCF-style: chr9-128947104-C-T. GRCh37 (hg19) VCF-style: chr9-131709383-C-T.
Other names: short protein forms G67E.
Identifiers: ClinVar variation 2198561 (VCV002198561.5), dbSNP rs1564546377, ClinGen allele CA375127722.
Genomic context (GRCh38, chr9:128,947,104, plus strand): 5'-ACCATGGAGGCGGGCAATAGGCCACTGTTTGCGGACATTCGGAACTGGAAGACGGCGCTT[C>T]CCTGCTGTAGCAGCCGGTCCCACTTGTATTGGACGTAGAAGGCCTGCACTGCGAGGGCCA-3'
Protein context (NP_055723.1, residues 57-77): QYKWDRLLQQ[Gly67Glu]SAVFQFRMSA